The following is an entry in ClinVar:

NM_001379291.1(BRD4):c.3396G>C (p.Glu1132Asp)

Gene: BRD4 (bromodomain containing 4; minus strand). Cytogenetic location: 19p13.12.
Variant type: single nucleotide variant.
Coding change: c.3396G>C on transcript NM_001379291.1 (MANE Select); coding-DNA position 3396, G replaced by C.
Protein change: p.Glu1132Asp; replaces glutamic acid 1132 with aspartic acid.
Molecular consequence: missense variant.
Genome position (GRCh38, 1-based): chr19:15,239,708, C>G on the plus strand (G>C on the coding strand, the complement: BRD4 is on the minus strand). VCF-style: chr19-15239708-C-G. GRCh37 (hg19) VCF-style: chr19-15350519-C-G.
Other names: c.3396G>C, p.Glu1132Asp (NM_058243.3); short protein forms E1132D.
Identifiers: ClinVar variation 2128746 (VCV002128746.4), dbSNP rs1428391976, ClinGen allele CA404499681.

ClinVar aggregate classification (germline): Uncertain significance (1 of 4 stars; one submission).

gnomAD v4.1: 1 of 1,596,860 alleles (0.000063%); highest among the groups gnomAD compares: Non-Finnish European, 0.000085%; no homozygotes.

Submission:

Labcorp Genetics (formerly Invitae), Labcorp
Classification: Uncertain significance. Last evaluated: 2022-08-16. Review status: criteria provided, single submitter. Criteria: Invitae Variant Classification Sherloc (09022015). Collection method: clinical testing. Allele origin: germline.
Comment: In summary, the available evidence is currently insufficient to determine the role of this variant in disease. Therefore, it has been classified as a Variant of Uncertain Significance. Algorithms developed to predict the effect of missense changes on protein structure and function output the following: SIFT: "Deleterious"; PolyPhen-2: "Benign"; Align-GVGD: "Class C0". The aspartic acid amino acid residue is found in multiple mammalian species, which suggests that this missense change does not adversely affect protein function. This variant has not been reported in the literature in individuals affected with BRD4-related conditions. This variant is not present in population databases (gnomAD no frequency). This sequence change replaces glutamic acid, which is acidic and polar, with aspartic acid, which is acidic and polar, at codon 1132 of the BRD4 protein (p.Glu1132Asp).